The following is an entry in ClinVar:

NM_033026.6(PCLO):c.2983C>G (p.Pro995Ala)

Gene: PCLO (piccolo presynaptic cytomatrix protein; minus strand). Cytogenetic location: 7q21.11.
Variant type: single nucleotide variant.
Coding change: c.2983C>G on transcript NM_033026.6 (MANE Select); coding-DNA position 2983, C replaced by G.
Protein change: p.Pro995Ala; replaces proline 995 with alanine.
Molecular consequence: missense variant.
Genome position (GRCh38, 1-based): chr7:83,134,567, G>C on the plus strand (C>G on the coding strand, the complement: PCLO is on the minus strand). VCF-style: chr7-83134567-G-C. GRCh37 (hg19) VCF-style: chr7-82763883-G-C.
Other names: c.2983C>G (NM_033026.5); c.2983C>G, p.Pro995Ala (NM_014510.3); short protein forms P995A.
Identifiers: ClinVar variation 2068691 (VCV002068691.2), dbSNP rs367751293, ClinGen allele CA4321165.

ClinVar aggregate classification (germline): Uncertain significance. Review status: criteria provided, multiple submitters, no conflicts (2 of 4 stars). 2 submissions from 2 submitters: Uncertain significance (2). Last evaluated 2025-08-26.

Conditions:
Inborn genetic diseases. Identifiers: MedGen C0950123, MeSH D030342.

Allele frequency attached by ClinVar (database versions not stated): ExAC 0.00002; gnomAD 0.00003; gnomAD exomes 0.00004; TOPMed 0.00004; ESP Exome Variant Server 0.00008; 1000 Genomes Project 30x 0.00016; 1000 Genomes Project 0.00020.
gnomAD v4.1: 66 of 1,613,800 alleles (0.0041%); highest among the groups gnomAD compares: East Asian, 0.025%; no homozygotes.

Submissions (2):

Ambry Genetics
Classification: Uncertain significance for Inborn genetic diseases. Last evaluated: 2025-08-26. Review status: criteria provided, single submitter. Criteria: Ambry Variant Classification Scheme 2023. Collection method: clinical testing. Allele origin: germline.

Labcorp Genetics (formerly Invitae), Labcorp
Classification: Uncertain significance. Last evaluated: 2022-03-26. Review status: criteria provided, single submitter. Criteria: Invitae Variant Classification Sherloc (09022015). Collection method: clinical testing. Allele origin: germline.
Comment: This sequence change replaces proline, which is neutral and non-polar, with alanine, which is neutral and non-polar, at codon 995 of the PCLO protein (p.Pro995Ala). This variant is present in population databases (rs367751293, gnomAD 0.06%). This variant has not been reported in the literature in individuals affected with PCLO-related conditions. Algorithms developed to predict the effect of missense changes on protein structure and function output the following: SIFT: "Tolerated"; PolyPhen-2: "Not Available"; Align-GVGD: "Class C0". The alanine amino acid residue is found in multiple mammalian species, which suggests that this missense change does not adversely affect protein function. In summary, the available evidence is currently insufficient to determine the role of this variant in disease. Therefore, it has been classified as a Variant of Uncertain Significance.